The following is an entry in ClinVar:

NM_000465.4(BARD1):c.1811-18G>C

Gene: BARD1 (BRCA1 associated RING domain 1; minus strand). Cytogenetic location: 2q35.
Variant type: single nucleotide variant.
Coding change: c.1811-18G>C on transcript NM_000465.4 (MANE Select); 18 bases into the intron before coding-DNA position 1811, G replaced by C.
Molecular consequence: intron variant.
Genome position (GRCh38, 1-based): chr2:214,745,177, C>G on the plus strand (G>C on the coding strand, the complement: BARD1 is on the minus strand). VCF-style: chr2-214745177-C-G. GRCh37 (hg19) VCF-style: chr2-215609901-C-G.
Other names: c.1811-18G>C (LRG_297t1); c.401-18G>C (NM_001282548.2); c.1754-18G>C (NM_001282543.2); c.458-18G>C (NM_001282545.2); c.365-14669G>C (NM_001282549.2).
Identifiers: ClinVar variation 388246 (VCV000388246.10), dbSNP rs776145858, ClinGen allele CA16604045.

ClinVar aggregate classification (germline): Likely benign. Review status: criteria provided, multiple submitters, no conflicts (2 of 4 stars). 3 submissions from 3 submitters: Likely benign (3). Last evaluated 2026-01-06.

Conditions:
Familial cancer of breast. Also called: Hereditary breast cancer; hereditary breast carcinoma; BREAST CANCER, FAMILIAL. Identifiers: Orphanet 227535, MedGen C0346153, MONDO:0016419, OMIM 114480. Disease mechanism: loss of function.

Allele frequency attached by ClinVar (database versions not stated): gnomAD exomes below 0.00001 and 0.00001; gnomAD 0.00001; TOPMed 0.00001.
gnomAD v4.1: 12 of 1,602,422 alleles (0.00075%); highest among the groups gnomAD compares: Non-Finnish European, 0.001%; no homozygotes.

Submissions (3):

Labcorp Genetics (formerly Invitae), Labcorp
Classification: Likely benign for Familial cancer of breast. Last evaluated: 2026-01-06. Review status: criteria provided, single submitter. Criteria: Invitae Variant Classification Sherloc (09022015). Collection method: clinical testing. Allele origin: germline.

Myriad Genetics, Inc.
Classification: Likely benign for Familial cancer of breast. Last evaluated: 2024-07-26. Review status: criteria provided, single submitter. Criteria: Myriad Autosomal Dominant, Autosomal Recessive and X-Linked Classification Criteria (2023). Collection method: clinical testing. Allele origin: unknown.
Comment: This variant is considered likely benign. This variant is intronic and is not expected to impact mRNA splicing.

GeneDx
Classification: Likely benign. Last evaluated: 2016-07-26. Review status: criteria provided, single submitter. Criteria: GeneDx Variant Classification (06012015). Collection method: clinical testing. Allele origin: germline. Affected: yes.
Comment: This variant is considered likely benign or benign based on one or more of the following criteria: it is a conservative change, it occurs at a poorly conserved position in the protein, it is predicted to be benign by multiple in silico algorithms, and/or has population frequency not consistent with disease.